The following is an entry in ClinVar:

ClinVar aggregate classification (germline): Pathogenic (1 of 4 stars; one submission).

Conditions:
Primary ciliary dyskinesia. Also called: Ciliary dyskinesia. Identifiers: Orphanet 244, MedGen C0008780, MONDO:0016575, HP:0012265.

Submission:

Labcorp Genetics (formerly Invitae), Labcorp
Classification: Pathogenic for Primary ciliary dyskinesia. Last evaluated: 2025-11-27. Review status: criteria provided, single submitter. Criteria: Invitae Variant Classification Sherloc (09022015). Collection method: clinical testing. Allele origin: germline.
Comment: This sequence change creates a premature translational stop signal (p.Tyr742Leufs*6) in the DNAH8 gene. It is expected to result in an absent or disrupted protein product. Loss-of-function variants in DNAH8 are known to be pathogenic (PMID: 24307375, 32619401, 32681648). This variant is not present in population databases (gnomAD no frequency). This variant has not been reported in the literature in individuals affected with DNAH8-related conditions. Algorithms developed to predict the effect of sequence changes on RNA splicing suggest that this variant may disrupt the consensus splice site. For these reasons, this variant has been classified as Pathogenic.

Literature cited by the submitters: PubMed 24307375; PubMed 32619401; PubMed 32681648.

NM_001206927.2(DNAH8):c.2224dup (p.Tyr742fs)

Gene: DNAH8 (dynein axonemal heavy chain 8; plus strand). Cytogenetic location: 6p21.2.
Variant type: Duplication.
Coding change: c.2224dup on transcript NM_001206927.2 (MANE Select); coding-DNA position 2224, one base duplicated (T; older notation c.2224dupT).
Protein change: p.Tyr742fs; shifts the reading frame from tyrosine 742.
Molecular consequence: frameshift variant.
Genome position (GRCh38, 1-based): chr6:38,781,338, T duplicated. VCF-style (leftmost placement, unchanged base first): chr6-38781337-C-CT. GRCh37 (hg19) VCF-style: chr6-38749113-C-CT.
Other names: c.1573dup, p.Tyr525fs (NM_001371.4); short protein forms Y525fs, Y742fs.
Identifiers: ClinVar variation 4732068 (VCV004732068.1).